The following is an entry in ClinVar:

NM_001430.5(EPAS1):c.31dup (p.Ser11fs)

Gene: EPAS1 (endothelial PAS domain protein 1; plus strand). Cytogenetic location: 2p21.
Variant type: Duplication.
Coding change: c.31dup on transcript NM_001430.5 (MANE Select); coding-DNA position 31, one base duplicated (A; older notation c.31dupA).
Protein change: p.Ser11fs; shifts the reading frame from serine 11.
Molecular consequence: frameshift variant.
Genome position (GRCh38, 1-based): chr2:46,346,877, A duplicated. VCF-style (leftmost placement, unchanged base first): chr2-46346876-T-TA. GRCh37 (hg19) VCF-style: chr2-46574015-T-TA.
Other names: short protein forms S11fs.
Identifiers: ClinVar variation 4721662 (VCV004721662.1).
Genomic context (GRCh38, chr2:46,346,876, plus strand): 5'-GAGGTATGATAGGCTGACAGTAACCTTTCCGGGACTAACCCCTTCTTCTCCACTTAGGAG[T>TA]AGCTCGGAGAGGAGGAAGGAGAAGTCCCGGGATGCTGCGCGGTGCCGGCGGAGCAAGGAG-3'

ClinVar aggregate classification (germline): Uncertain significance (1 of 4 stars; one submission).

Submission:

Labcorp Genetics (formerly Invitae), Labcorp
Classification: Uncertain significance. Last evaluated: 2025-06-19. Review status: criteria provided, single submitter. Criteria: Invitae Variant Classification Sherloc (09022015). Collection method: clinical testing. Allele origin: germline.
Comment: This sequence change creates a premature translational stop signal (p.Ser11Lysfs*26) in the EPAS1 gene. It is expected to result in an absent or disrupted protein product. However, the current clinical and genetic evidence is not sufficient to establish whether loss-of-function variants in EPAS1 cause disease. This variant is not present in population databases (gnomAD no frequency). This variant has not been reported in the literature in individuals affected with EPAS1-related conditions. In summary, the available evidence is currently insufficient to determine the role of this variant in disease. Therefore, it has been classified as a Variant of Uncertain Significance.